The following is an entry in ClinVar:

NM_000218.3(KCNQ1):c.1514+8939G>A

Genes: KCNQ1 (potassium voltage-gated channel subfamily Q member 1; plus strand), KCNQ1OT1 (KCNQ1 opposite strand/antisense transcript 1; minus strand). Cytogenetic location: 11p15.5.
Variant type: single nucleotide variant.
Coding change: c.1514+8939G>A on transcript NM_000218.3 (MANE Select); 8939 bases into the intron after coding-DNA position 1514, G replaced by A.
Molecular consequence: intron variant.
Genome position (GRCh38, 1-based): chr11:2,671,020, G>A. VCF-style: chr11-2671020-G-A. GRCh37 (hg19) VCF-style: chr11-2692250-G-A.
Other names: c.1244+8939G>A (NM_001406837.1); c.1418+8939G>A (NM_001406836.1); c.974+8939G>A (NM_001406838.1); c.1133+8939G>A (NM_181798.2); c.1514+8939G>A (NM_000218.2).
Identifiers: ClinVar variation 1879189 (VCV001879189.30), dbSNP rs534559378, ClinGen allele CA216177848.

ClinVar aggregate classification (germline): Benign. Review status: criteria provided, single submitter (1 of 4 stars). 2 submissions from 2 submitters: Benign (1). 1 of the submissions does not count toward it. Last evaluated 2024-06-01.

Conditions:
KCNQ1-related disorder. Also called: KCNQ1-related disorders; KCNQ1-related condition. Identifiers: MedGen CN239322.

Allele frequency attached by ClinVar (database versions not stated): 1000 Genomes Project 0.00120; TOPMed 0.00137; 1000 Genomes Project 30x 0.00141; gnomAD 0.00144; gnomAD exomes 0.00177.
gnomAD v4.1: 655 of 398,644 alleles (0.16%); highest among the groups gnomAD compares: Non-Finnish European, 0.22%; 2 homozygotes.

Submissions (2):

CeGaT Center for Human Genetics Tuebingen
Classification: Benign. Last evaluated: 2024-06-01. Review status: criteria provided, single submitter. Criteria: CeGaT Center For Human Genetics Tuebingen Variant Classification Criteria Version 2. Collection method: clinical testing. Allele origin: germline. Affected: yes. Observed: 3 variant alleles.
Comment: KCNQ1OT1: BS1, BS2

PreventionGenetics, part of Exact Sciences
Classification: Likely benign for KCNQ1-related condition. Last evaluated: 2022-02-16. Review status: no assertion criteria provided. Collection method: clinical testing. Allele origin: germline. Not counted in ClinVar's aggregate classification.
Comment: This variant is classified as likely benign based on ACMG/AMP sequence variant interpretation guidelines (Richards et al. 2015 PMID: 25741868, with internal and published modifications).